The following is an entry in ClinVar:

ClinVar aggregate classification (germline): Uncertain significance. Review status: criteria provided, single submitter (1 of 4 stars). 2 submissions from 2 submitters: Uncertain significance (1). 1 of the submissions does not count toward it. Last evaluated 2021-08-24.

Conditions:
Autosomal recessive polycystic kidney disease (ARPKD). Also called: AR polycystic kidney disease. Identifiers: Orphanet 731, Orphanet 8378, MedGen C0085548, MeSH D017044, MONDO:0009889.

Allele frequency attached by ClinVar (database versions not stated): gnomAD exomes below 0.00001 and 0.00002; ExAC 0.00001.
gnomAD v4.1: 28 of 1,611,410 alleles (0.0017%); highest among the groups gnomAD compares: Non-Finnish European, 0.0023%; no homozygotes.

Submissions (2):

Labcorp Genetics (formerly Invitae), Labcorp
Classification: Uncertain significance for Autosomal recessive polycystic kidney disease. Last evaluated: 2021-08-24. Review status: criteria provided, single submitter. Criteria: Invitae Variant Classification Sherloc (09022015). Collection method: clinical testing. Allele origin: germline.
Comment: This sequence change replaces glycine with arginine at codon 2307 of the PKHD1 protein (p.Gly2307Arg). The glycine residue is moderately conserved and there is a moderate physicochemical difference between glycine and arginine. This variant is present in population databases (rs765874902, ExAC 0.001%). This variant has not been reported in the literature in individuals affected with PKHD1-related conditions. Algorithms developed to predict the effect of missense changes on protein structure and function are either unavailable or do not agree on the potential impact of this missense change (SIFT: "Deleterious"; PolyPhen-2: "Probably Damaging"; Align-GVGD: "Class C0"). In summary, the available evidence is currently insufficient to determine the role of this variant in disease. Therefore, it has been classified as a Variant of Uncertain Significance.

Natera, Inc.
Classification: Uncertain significance for Autosomal recessive polycystic kidney disease. Last evaluated: 2019-05-14. Review status: no assertion criteria provided. Collection method: clinical testing. Allele origin: germline. Not counted in ClinVar's aggregate classification.

NM_138694.4(PKHD1):c.6919G>C (p.Gly2307Arg)

Gene: PKHD1 (PKHD1 ciliary IPT domain containing fibrocystin/polyductin; minus strand). Cytogenetic location: 6p12.2.
Variant type: single nucleotide variant.
Coding change: c.6919G>C on transcript NM_138694.4 (MANE Select); coding-DNA position 6919, G replaced by C.
Protein change: p.Gly2307Arg; replaces glycine 2307 with arginine.
Molecular consequence: missense variant.
Genome position (GRCh38, 1-based): chr6:51,903,674, C>G on the plus strand (G>C on the coding strand, the complement: PKHD1 is on the minus strand). VCF-style: chr6-51903674-C-G. GRCh37 (hg19) VCF-style: chr6-51768472-C-G.
Other names: c.6919G>C, p.Gly2307Arg (NM_170724.3); short protein forms G2307R.
Identifiers: ClinVar variation 1027065 (VCV001027065.11), dbSNP rs765874902, ClinGen allele CA3852123.